The following is an entry in ClinVar:

ClinVar aggregate classification (germline): Pathogenic. Review status: criteria provided, multiple submitters, no conflicts (2 of 4 stars). 3 submissions from 3 submitters: Pathogenic (3). Last evaluated 2024-09-05.

Conditions:
Hereditary cancer-predisposing syndrome. Also called: Hereditary Cancer Syndrome; Neoplastic Syndromes, Hereditary; Hereditary neoplastic syndrome; Tumor predisposition. Identifiers: Orphanet 140162, MedGen C0027672, MeSH D009386, MONDO:0015356.
Lynch syndrome 5 (LYNCH5). Also called: Hereditary non-polyposis colorectal cancer, type 5; Colorectal cancer, hereditary nonpolyposis, type 5. Identifiers: Orphanet 144, MedGen C1833477, MONDO:0013710, OMIM 614350. Disease mechanism: loss of function.

Submissions (3):

Molecular Pathology, Peter Maccallum Cancer Centre
Classification: Pathogenic for Lynch syndrome 5. Last evaluated: 2024-09-05. Review status: criteria provided, single submitter. Criteria: ACMG Guidelines, 2015. Collection method: clinical testing. Allele origin: germline. Inheritance: Autosomal dominant inheritance.

Myriad Genetics, Inc.
Classification: Pathogenic for Lynch syndrome 5. Last evaluated: 2023-08-22. Review status: criteria provided, single submitter. Criteria: Myriad Autosomal Dominant, Autosomal Recessive and X-Linked Classification Criteria (2023). Collection method: clinical testing. Allele origin: unknown.
Comment: This variant is considered pathogenic. This variant creates a frameshift predicted to result in premature protein truncation.

Ambry Genetics
Classification: Pathogenic for Hereditary cancer-predisposing syndrome. Last evaluated: 2018-11-15. Review status: criteria provided, single submitter. Criteria: Ambry Autosomal Dominant and X-Linked criteria (3/2017). Collection method: clinical testing. Allele origin: germline. Observed: 1 variant allele.
Comment: The c.3260_3261dupCC pathogenic mutation, located in coding exon 5 of the MSH6 gene, results from a duplication of 2 nucleotides at positions 3260 to 3261, causing a translational frameshift with a predicted alternate stop codon (p.F1088Pfs*3). This mutation has been detected as somatic in multiple colorectal cancer patients and cell lines (Bonk T et al. Clin Chem. 2003 Apr;49(4):552-61; Weiss MB et al. Cancer Gene Ther. 2007 Jan;14(1):98-104; Berginc G et al. Fam. Cancer 2009 Jun;8(4):421-9; McCarthy AJ et al. J Pathol Clin Res. 2018 Nov 1). Of note, this alteration is designated as c.3260_3261insCC in published literature. In addition to the clinical data presented in the literature, this alteration is expected to result in loss of function by premature protein truncation or nonsense-mediated mRNA decay. As such, this alteration is interpreted as a disease-causing mutation.

Literature cited by the submitters: PubMed 19526325 (cited by Ambry Genetics).

NM_000179.3(MSH6):c.3260_3261dup (p.Phe1088fs)

Gene: MSH6 (mutS homolog 6; plus strand). Cytogenetic location: 2p16.3.
Variant type: Duplication.
Coding change: c.3260_3261dup on transcript NM_000179.3 (MANE Select); coding-DNA positions 3260 to 3261, 2 bases duplicated (CC; older notation c.3260_3261dupCC).
Protein change: p.Phe1088fs; shifts the reading frame from phenylalanine 1088.
Molecular consequence: frameshift variant.
Genome position (GRCh38, 1-based): chr2:47,803,507-47,803,508, CC duplicated; duplicating any 2 consecutive bases within chr2:47,803,501-47,803,508 gives the same sequence; the c. name uses the placement nearest the transcript's 3' end. VCF-style (leftmost placement, unchanged base first): chr2-47803500-A-ACC. GRCh37 (hg19) VCF-style: chr2-48030639-A-ACC.
Other names: c.2870_2871dup, p.Phe958fs (NM_001281492.2); c.2354_2355dup, p.Phe786fs (NM_001281493.2, NM_001281494.2); c.3260_3261dupCC (NM_000179.2); short protein forms F958fs, F786fs, F1088fs.
Identifiers: ClinVar variation 428313 (VCV000428313.6), dbSNP rs267608078, ClinGen allele CA1649449.